The following is an entry in ClinVar:

ClinVar aggregate classification (germline): Conflicting classifications of pathogenicity. Review status: criteria provided, conflicting classifications (1 of 4 stars). 4 submissions from 4 submitters: Uncertain significance (1); Likely benign (2). 1 of the submissions does not count toward it. Last evaluated 2025-12-11.

Conditions:
Inborn genetic diseases. Identifiers: MedGen C0950123, MeSH D030342.
FAM20C-related disorder. Also called: FAM20C-related condition.

Allele frequency attached by ClinVar (database versions not stated): gnomAD exomes 0.00018 and 0.00043; ExAC 0.00051; gnomAD 0.00140 and 0.00144; TOPMed 0.00183; ESP Exome Variant Server 0.00190; 1000 Genomes Project 30x 0.00219; 1000 Genomes Project 0.00220.
gnomAD v4.1: 491 of 1,610,888 alleles (0.03%); highest among the groups gnomAD compares: African/African-American, 0.47%; 1 homozygote.

Submissions (4):

Labcorp Genetics (formerly Invitae), Labcorp
Classification: Likely benign. Last evaluated: 2025-12-11. Review status: criteria provided, single submitter. Criteria: Invitae Variant Classification Sherloc (09022015). Collection method: clinical testing. Allele origin: germline.

Ambry Genetics
Classification: Uncertain significance for Inborn genetic diseases. Last evaluated: 2021-08-09. Review status: criteria provided, single submitter. Criteria: Ambry Variant Classification Scheme 2023. Collection method: clinical testing. Allele origin: germline.

Breakthrough Genomics
Classification: Likely benign. Review status: criteria provided, single submitter. Criteria: ACMG Guidelines, 2015. Collection method: not provided. Allele origin: germline. Inheritance: Autosomal recessive inheritance. Affected: yes.

PreventionGenetics, part of Exact Sciences
Classification: Likely benign for FAM20C-related condition. Last evaluated: 2020-01-03. Review status: no assertion criteria provided. Collection method: clinical testing. Allele origin: germline. Not counted in ClinVar's aggregate classification.
Comment: This variant is classified as likely benign based on ACMG/AMP sequence variant interpretation guidelines (Richards et al. 2015 PMID: 25741868, with internal and published modifications).

NM_020223.4(FAM20C):c.733G>A (p.Ala245Thr)

Gene: FAM20C (FAM20C golgi associated secretory pathway kinase; plus strand). Cytogenetic location: 7p22.3.
Variant type: single nucleotide variant.
Coding change: c.733G>A on transcript NM_020223.4 (MANE Select); coding-DNA position 733, G replaced by A.
Protein change: p.Ala245Thr; replaces alanine 245 with threonine.
Molecular consequence: missense variant.
Genome position (GRCh38, 1-based): chr7:195,681, G>A. VCF-style: chr7-195681-G-A. GRCh37 (hg19) VCF-style: chr7-195681-G-A.
Other names: c.733G>A (NM_020223.2); short protein forms A245T.
Identifiers: ClinVar variation 732466 (VCV000732466.15), dbSNP rs61730252, ClinGen allele CA4108979.